The following is an entry in ClinVar:

NM_005534.4(IFNGR2):c.1A>G (p.Met1Val)

Genes: IFNGR2 (interferon gamma receptor 2; plus strand), LOC119266102 (IFNGR2 promoter region; plus strand). Cytogenetic location: 21q22.11.
Variant type: single nucleotide variant.
Coding change: c.1A>G on transcript NM_005534.4 (MANE Select); coding-DNA position 1, A replaced by G.
Protein change: p.Met1Val; changes the start codon (methionine 1).
Molecular consequence: missense variant, initiator codon variant.
Genome position (GRCh38, 1-based): chr21:33,403,544, A>G. VCF-style: chr21-33403544-A-G. GRCh37 (hg19) VCF-style: chr21-34775850-A-G.
Other names: c.1A>G, p.Met1Val (NM_001329128.2); short protein forms M1V.
Identifiers: ClinVar variation 987732 (VCV000987732.10), dbSNP rs1316638883, ClinGen allele CA410113851.

ClinVar aggregate classification (germline): Likely pathogenic. Review status: criteria provided, multiple submitters, no conflicts (2 of 4 stars). 3 submissions from 3 submitters: Likely pathogenic (2). 1 of the submissions does not count toward it. Last evaluated 2024-08-04.

Conditions:
Immunodeficiency 28 (IMD28). Also called: IFNGR2 DEFICIENCY. Identifiers: OMIM 614889, Orphanet 319547, Orphanet 319574, MedGen C4013947, MONDO:0013953.

Allele frequency attached by ClinVar (database versions not stated): gnomAD 0.00001; gnomAD exomes 0.00001.

Submissions (3):

Labcorp Genetics (formerly Invitae), Labcorp
Classification: Likely pathogenic for Immunodeficiency 28. Last evaluated: 2024-08-04. Review status: criteria provided, single submitter. Criteria: Invitae Variant Classification Sherloc (09022015). Collection method: clinical testing. Allele origin: germline.
Comment: This sequence change affects the initiator methionine of the IFNGR2 mRNA. The next in-frame methionine is located at codon 80. This variant is present in population databases (no rsID available, gnomAD 0.007%). Disruption of the initiator codon has been observed in individual(s) with clinical features of mendelian susceptibility to mycobacterial disease (PMID: 31222290). It has also been observed to segregate with disease in related individuals. ClinVar contains an entry for this variant (Variation ID: 987732). Algorithms developed to predict the effect of variants on gene product structure and function are not available or were not evaluated for this variant. Experimental studies have shown that disruption of the initiator codon affects IFNGR2 function (PMID: 31222290). In summary, the currently available evidence indicates that the variant is pathogenic, but additional data are needed to prove that conclusively. Therefore, this variant has been classified as Likely Pathogenic.

Fulgent Genetics
Classification: Likely pathogenic for Immunodeficiency 28. Last evaluated: 2024-04-25. Review status: criteria provided, single submitter. Criteria: ACMG Guidelines, 2015. Collection method: clinical testing. Allele origin: germline.

OMIM
Classification: Pathogenic for IMMUNODEFICIENCY 28. Last evaluated: 2025-10-14. Review status: no assertion criteria provided. Collection method: literature only. Allele origin: germline. Not counted in ClinVar's aggregate classification.

Literature cited by the submitters: PubMed 31222290 (cited by Labcorp Genetics (formerly Invitae), Labcorp); Oleaga-Quintas, C., Deswarte, C., Moncada-Velez, M., Metin, A., Rao, I. K., Kanik-Yuksek, S., Nieto-Patlan, A., Guerin, A., Gulhan, B., Murthy, S., Ozkaya-Parlakay, A., Abel, L., Martinez-Barricarte, R., Perez de Diego, R., Boisson-Dupuis, S., Kong, X.-F., Casanova, J.-L., Bustamante, J. A purely quantitative form of partial recessive IFN-gamma-R2 deficiency caused by mutations of the initiation or second codon. Hum. Molec. Genet. 27: 3919-3935, 2018. Note: Erratum: Hum. Molec. Genet. 28: 524 only, 2019. (cited by OMIM).